The following is an entry in ClinVar:

NM_006618.5(KDM5B):c.1162dup (p.Ala388fs)

Gene: KDM5B (lysine demethylase 5B; minus strand). Cytogenetic location: 1q32.1.
Variant type: Duplication.
Coding change: c.1162dup on transcript NM_006618.5 (MANE Select); coding-DNA position 1162, one base duplicated (G; older notation c.1162dupG).
Protein change: p.Ala388fs; shifts the reading frame from alanine 388.
Molecular consequence: frameshift variant.
Genome position (GRCh38, 1-based): chr1:202,758,426, C duplicated on the plus strand (G on the coding strand, the reverse complement: KDM5B is on the minus strand). VCF-style (leftmost placement, unchanged base first): chr1-202758425-G-GC. GRCh37 (hg19) VCF-style: chr1-202727553-G-GC.
Other names: c.1147dup, p.Ala383fs (NM_001399817.1); c.1270dup, p.Ala424fs (NM_001314042.2); c.1027dup, p.Ala343fs (NM_001347591.2); short protein forms A343fs, A383fs, A388fs, A424fs.
Identifiers: ClinVar variation 3775809 (VCV003775809.1).

ClinVar aggregate classification (germline): Likely pathogenic (1 of 4 stars; one submission).

Conditions:
Intellectual developmental disorder, autosomal recessive 65. Also called: MENTAL RETARDATION, AUTOSOMAL RECESSIVE 65; Intellectual disability, autosomal recessive 65. Identifiers: MedGen C4748219, MONDO:0020850, OMIM 618109.

Submission:

3billion
Classification: Likely pathogenic for Intellectual developmental disorder, autosomal recessive 65. Last evaluated: 2023-10-05. Review status: criteria provided, single submitter. Criteria: ACMG Guidelines, 2015. Collection method: clinical testing. Allele origin: germline. Affected: yes.
Comment: The variant is not observed in the gnomAD v2.1.1 dataset. Predicted Consequence/Location: Frameshift: predicted to result in a loss or disruption of normal protein function through nonsense-mediated decay (NMD) or protein truncation. Multiple pathogenic variants are reported downstream of the variant. Therefore, this variant is classified as Likely pathogenic according to the recommendation of ACMG/AMP guideline.